The following is an entry in ClinVar:

ClinVar aggregate classification (germline): Uncertain significance. Review status: criteria provided, multiple submitters, no conflicts (2 of 4 stars). 4 submissions from 4 submitters: Uncertain significance (4). Last evaluated 2025-08-20.

Conditions:
Autosomal dominant nonsyndromic hearing loss 6 (LFSNHL). Also called: DEAFNESS, AUTOSOMAL DOMINANT 6; Autosomal dominant nonsyndromic deafness 6; DEAFNESS, AUTOSOMAL DOMINANT 14; DEAFNESS, AUTOSOMAL DOMINANT 38. Identifiers: Orphanet 90635, MedGen C1833021, MONDO:0010963, OMIM 600965.
Type 2 diabetes mellitus. Also called: Type II diabetes mellitus. Identifiers: MedGen C0011860, MeSH D003924, MONDO:0005148, OMIM 125853, HP:0005978.
Cataract 41 (CTRCT41). Also called: CATARACT 41, CONGENITAL NUCLEAR TYPE. Identifiers: Orphanet 91492, Orphanet 98991, Orphanet 98992, Orphanet 98995, MedGen C3805412, MONDO:0007287, OMIM 116400.
Wolfram-like syndrome. Also called: HEARING LOSS, PROGRESSIVE, WITH OPTIC ATROPHY AND/OR IMPAIRED GLUCOSE REGULATION. Identifiers: Orphanet 411590, MedGen C3280358, MONDO:0013673, OMIM 614296.
Wolfram syndrome 1 (WFS1). Identifiers: Orphanet 3463, MedGen C4551693, MONDO:0009101, OMIM 222300.

Allele frequency attached by ClinVar (database versions not stated): ExAC 0.00003; gnomAD exomes 0.00003; gnomAD 0.00005.
gnomAD v4.1: 50 of 1,613,644 alleles (0.0031%); highest among the groups gnomAD compares: Admixed American, 0.0083%; no homozygotes.

Submissions (4):

GeneDx
Classification: Uncertain significance. Last evaluated: 2025-08-20. Review status: criteria provided, single submitter. Criteria: GeneDx Variant Classification Process June 2021. Collection method: clinical testing. Allele origin: germline. Affected: yes.
Comment: In silico analysis suggests that this missense variant does not alter protein structure/function; This variant is associated with the following publications: (PMID: 34515852)

Labcorp Genetics (formerly Invitae), Labcorp
Classification: Uncertain significance. Last evaluated: 2025-05-07. Review status: criteria provided, single submitter. Criteria: Invitae Variant Classification Sherloc (09022015). Collection method: clinical testing. Allele origin: germline.
Comment: This sequence change replaces arginine, which is basic and polar, with histidine, which is basic and polar, at codon 653 of the WFS1 protein (p.Arg653His). This variant is present in population databases (rs199697430, gnomAD 0.007%). This variant has not been reported in the literature in individuals affected with WFS1-related conditions. ClinVar contains an entry for this variant (Variation ID: 1500838). Invitae Evidence Modeling of protein sequence and biophysical properties (such as structural, functional, and spatial information, amino acid conservation, physicochemical variation, residue mobility, and thermodynamic stability) indicates that this missense variant is not expected to disrupt WFS1 protein function with a negative predictive value of 95%. In summary, the available evidence is currently insufficient to determine the role of this variant in disease. Therefore, it has been classified as a Variant of Uncertain Significance.

Fulgent Genetics
Classification: Uncertain significance for Cataract 41; Type 2 diabetes mellitus; Wolfram syndrome 1; Autosomal dominant nonsyndromic hearing loss 6; Wolfram-like syndrome. Last evaluated: 2022-03-15. Review status: criteria provided, single submitter. Criteria: ACMG Guidelines, 2015. Collection method: clinical testing. Allele origin: unknown.

Blueprint Genetics
Classification: Uncertain significance. Last evaluated: 2021-10-06. Review status: criteria provided, single submitter. Criteria: ACMG Guidelines, 2015. Collection method: clinical testing. Allele origin: germline.

NM_006005.3(WFS1):c.1958G>A (p.Arg653His)

Gene: WFS1 (wolframin ER transmembrane glycoprotein; plus strand). Cytogenetic location: 4p16.1.
Variant type: single nucleotide variant.
Coding change: c.1958G>A on transcript NM_006005.3 (MANE Select); coding-DNA position 1958, G replaced by A.
Protein change: p.Arg653His; replaces arginine 653 with histidine.
Molecular consequence: missense variant.
Genome position (GRCh38, 1-based): chr4:6,301,753, G>A. VCF-style: chr4-6301753-G-A. GRCh37 (hg19) VCF-style: chr4-6303480-G-A.
Other names: c.1958G>A, p.Arg653His (NM_001145853.1); short protein forms R653H.
Identifiers: ClinVar variation 1500838 (VCV001500838.13), dbSNP rs199697430, ClinGen allele CA2839558.